The following is an entry in ClinVar:

ClinVar aggregate classification (germline): Uncertain significance (1 of 4 stars; one submission).

Conditions:
Cardiovascular phenotype. Identifiers: MedGen CN230736.

Submission:

Ambry Genetics
Classification: Uncertain significance for Cardiovascular phenotype. Last evaluated: 2025-05-18. Review status: criteria provided, single submitter. Criteria: Ambry Variant Classification Scheme 2023. Collection method: clinical testing. Allele origin: germline.
Comment: The p.T272I variant (also known as c.815C>T), located in coding exon 7 of the AKAP9 gene, results from a C to T substitution at nucleotide position 815. The threonine at codon 272 is replaced by isoleucine, an amino acid with similar properties. This amino acid position is conserved. In addition, this alteration is predicted to be tolerated by in silico analysis. Based on the available evidence, the clinical significance of this variant remains unclear.

NM_005751.5(AKAP9):c.815C>T (p.Thr272Ile)

Gene: AKAP9 (A-kinase anchoring protein 9; plus strand). Cytogenetic location: 7q21.2.
Variant type: single nucleotide variant.
Coding change: c.815C>T on transcript NM_005751.5 (MANE Select); coding-DNA position 815, C replaced by T.
Protein change: p.Thr272Ile; replaces threonine 272 with isoleucine.
Molecular consequence: missense variant.
Genome position (GRCh38, 1-based): chr7:91,995,685, C>T. VCF-style: chr7-91995685-C-T. GRCh37 (hg19) VCF-style: chr7-91624999-C-T.
Other names: c.815C>T, p.Thr272Ile (NM_147185.3); short protein forms T272I.
Identifiers: ClinVar variation 4034082 (VCV004034082.1).